The following is an entry in ClinVar:

NM_001252024.2(TRPM1):c.791-5T>C

Gene: TRPM1 (transient receptor potential cation channel subfamily M member 1; minus strand). Cytogenetic location: 15q13.3.
Variant type: single nucleotide variant.
Coding change: c.791-5T>C on transcript NM_001252024.2 (MANE Select); 5 bases into the intron before coding-DNA position 791, T replaced by C.
Molecular consequence: intron variant.
Genome position (GRCh38, 1-based): chr15:31,063,297, A>G on the plus strand (T>C on the coding strand, the complement: TRPM1 is on the minus strand). VCF-style: chr15-31063297-A-G. GRCh37 (hg19) VCF-style: chr15-31355500-A-G.
Other names: c.842-5T>C (NM_001252020.2); c.725-5T>C (NM_002420.6).
Identifiers: ClinVar variation 1955867 (VCV001955867.5), dbSNP rs2504199135, ClinGen allele CA2580089201.

ClinVar aggregate classification (germline): Uncertain significance (1 of 4 stars; one submission).

Submission:

Labcorp Genetics (formerly Invitae), Labcorp
Classification: Uncertain significance. Last evaluated: 2022-03-29. Review status: criteria provided, single submitter. Criteria: Invitae Variant Classification Sherloc (09022015). Collection method: clinical testing. Allele origin: germline.
Comment: In summary, the available evidence is currently insufficient to determine the role of this variant in disease. Therefore, it has been classified as a Variant of Uncertain Significance. Algorithms developed to predict the effect of sequence changes on RNA splicing suggest that this variant may disrupt the consensus splice site. This variant has not been reported in the literature in individuals affected with TRPM1-related conditions. This variant is not present in population databases (gnomAD no frequency). This sequence change falls in intron 6 of the TRPM1 gene. It does not directly change the encoded amino acid sequence of the TRPM1 protein.